The following is an entry in ClinVar:

NM_001365088.1(SLC12A6):c.379G>T (p.Glu127Ter)

Gene: SLC12A6 (solute carrier family 12 member 6; minus strand). Cytogenetic location: 15q14.
Variant type: single nucleotide variant.
Coding change: c.379G>T on transcript NM_001365088.1 (MANE Select); coding-DNA position 379, G replaced by T.
Protein change: p.Glu127Ter; replaces glutamic acid 127 with a stop codon.
Molecular consequence: nonsense.
Genome position (GRCh38, 1-based): chr15:34,260,958, C>A on the plus strand (G>T on the coding strand, the complement: SLC12A6 is on the minus strand). VCF-style: chr15-34260958-C-A. GRCh37 (hg19) VCF-style: chr15-34553159-C-A.
Other names: c.202G>T, p.Glu68Ter (NM_001042494.2, NM_001042495.2); c.352G>T, p.Glu118Ter (NM_001042496.2); c.334G>T, p.Glu112Ter (NM_001042497.2); c.226G>T, p.Glu76Ter (NM_005135.2); c.379G>T, p.Glu127Ter (NM_133647.2); short protein forms E127*, E76*, E118*, E112*, E68*.
Identifiers: ClinVar variation 159897 (VCV000159897.21), dbSNP rs199747285, ClinGen allele CA272476.

ClinVar aggregate classification (germline): Pathogenic/Likely pathogenic. Review status: criteria provided, multiple submitters, no conflicts (2 of 4 stars). 7 submissions from 7 submitters: Pathogenic (4); Likely pathogenic (3). Last evaluated 2025-06-16.

Conditions:
Agenesis of the corpus callosum with peripheral neuropathy (ACCPN). Also called: Hereditary Motor and Sensory Neuropathy with Agenesis of the Corpus Callosum; POLYNEUROPATHY, SENSORIMOTOR, WITH OR WITHOUT AGENESIS OF THE CORPUS CALLOSUM; HMSN/ACC; CHARLEVOIX DISEASE. Identifiers: Orphanet 1496, MedGen C0795950, MONDO:0000902, OMIM 218000. Disease mechanism: loss of function.
Charcot-Marie-Tooth disease, axonal, IIa 2II. Also called: CHARCOT-MARIE-TOOTH NEUROPATHY, TYPE 2II; Charcot-Marie-Tooth disease, axonal, type 2II; Charcot-marie-tooth disease, axonal,IIa 2II. Identifiers: MedGen C5774227, MONDO:0031068, OMIM 620068.

Allele frequency attached by ClinVar (database versions not stated): ExAC 0.00001; gnomAD 0.00001; gnomAD exomes 0.00001; TOPMed below 0.00001.
gnomAD v4.1: 8 of 1,540,642 alleles (0.00052%); highest among the groups gnomAD compares: Non-Finnish European, 0.00018%; no homozygotes.

Submissions (7):

Natera, Inc.
Classification: Likely pathogenic for Andermann syndrome. Last evaluated: 2025-06-16. Review status: criteria provided, single submitter. Criteria: Natera Variant Classification Schema (03/2026). Collection method: clinical testing. Allele origin: germline.
Comment: The c.379G>T variant in SLC12A6 is a nonsense variant predicted to introduce a stop codon at amino acid 127. This variant is expected to result in nonsense mediated decay, truncation, or a dysfunctional protein product. This variant is rare in the general population with a frequency below the threshold expected for the associated phenotype(s). Given the available evidence, this variant is classified as Likely Pathogenic.

Fulgent Genetics
Classification: Likely pathogenic for Agenesis of the corpus callosum with peripheral neuropathy; Charcot-Marie-Tooth disease, axonal, IIa 2II. Last evaluated: 2024-03-11. Review status: criteria provided, single submitter. Criteria: ACMG Guidelines, 2015. Collection method: clinical testing. Allele origin: germline.

Baylor Genetics
Classification: Pathogenic for Agenesis of the corpus callosum with peripheral neuropathy. Last evaluated: 2024-03-09. Review status: criteria provided, single submitter. Criteria: ACMG Guidelines, 2015. Collection method: clinical testing. Allele origin: unknown.

Labcorp Genetics (formerly Invitae), Labcorp
Classification: Pathogenic. Last evaluated: 2024-02-21. Review status: criteria provided, single submitter. Criteria: Invitae Variant Classification Sherloc (09022015). Collection method: clinical testing. Allele origin: germline.
Comment: This sequence change creates a premature translational stop signal (p.Glu127*) in the SLC12A6 gene. It is expected to result in an absent or disrupted protein product. Loss-of-function variants in SLC12A6 are known to be pathogenic (PMID: 12368912, 16606917). This variant is present in population databases (rs199747285, gnomAD 0.02%). This variant has not been reported in the literature in individuals affected with SLC12A6-related conditions. ClinVar contains an entry for this variant (Variation ID: 159897). For these reasons, this variant has been classified as Pathogenic.

Revvity Omics, Revvity
Classification: Likely pathogenic. Last evaluated: 2023-02-10. Review status: criteria provided, single submitter. Criteria: ACMG Guidelines, 2015. Collection method: clinical testing. Allele origin: germline.

Genome-Nilou Lab
Classification: Pathogenic for Agenesis of the corpus callosum with peripheral neuropathy. Last evaluated: 2021-07-15. Review status: criteria provided, single submitter. Criteria: ACMG Guidelines, 2015. Collection method: clinical testing. Allele origin: germline. Affected: no.

Genetic Services Laboratory, University of Chicago
Classification: Pathogenic for Agenesis of the corpus callosum with peripheral neuropathy. Last evaluated: 2014-05-12. Review status: criteria provided, single submitter. Criteria: ACMG Guidelines, 2015. Collection method: clinical testing. Allele origin: germline. Inheritance: Autosomal recessive inheritance. Affected: yes.

Literature cited by the submitters: PubMed 12368912 (cited by Labcorp Genetics (formerly Invitae), Labcorp); PubMed 16606917 (cited by Labcorp Genetics (formerly Invitae), Labcorp).